The following is an entry in ClinVar:

NM_000038.6(APC):c.2838A>G (p.Thr946=)

Gene: APC (APC regulator of Wnt signaling pathway; plus strand). Cytogenetic location: 5q22.2.
Variant type: single nucleotide variant.
Coding change: c.2838A>G on transcript NM_000038.6 (MANE Select); coding-DNA position 2838, A replaced by G.
Protein change: p.Thr946=; no amino-acid change (threonine 946 retained).
Molecular consequence: synonymous variant.
Genome position (GRCh38, 1-based): chr5:112,838,432, A>G. VCF-style: chr5-112838432-A-G. GRCh37 (hg19) VCF-style: chr5-112174129-A-G.
Other names: c.2838A>G, p.Thr946= (NM_001127510.3, NM_001354895.2); c.2784A>G, p.Thr928= (NM_001127511.3); c.2892A>G, p.Thr964= (NM_001354896.2); c.2868A>G, p.Thr956= (NM_001354897.2); c.2763A>G, p.Thr921= (NM_001354898.2); c.2754A>G, p.Thr918= (NM_001354899.2); c.2715A>G, p.Thr905= (NM_001354900.2); c.2661A>G, p.Thr887= (NM_001354901.2); and 5 more.
Identifiers: ClinVar variation 183962 (VCV000183962.35), dbSNP rs142835322, ClinGen allele CA007846.

ClinVar aggregate classification (germline): Benign/Likely benign. Review status: criteria provided, multiple submitters, no conflicts (2 of 4 stars). 14 submissions from 14 submitters: Benign (2); Likely benign (11). 1 of the submissions does not count toward it. Last evaluated 2026-04-01.

Conditions:
Classic or attenuated familial adenomatous polyposis. Identifiers: MedGen CN372698, MONDO:0021057.
APC-related disorder. Also called: APC-related condition.
Hereditary cancer-predisposing syndrome. Also called: Tumor predisposition; Neoplastic Syndromes, Hereditary; Hereditary Cancer Syndrome; Hereditary neoplastic syndrome. Identifiers: Orphanet 140162, MedGen C0027672, MeSH D009386, MONDO:0015356.
Familial adenomatous polyposis 1 (FAP1). Also called: POLYPOSIS, ADENOMATOUS INTESTINAL; FAMILIAL ADENOMATOUS POLYPOSIS 1, ATTENUATED. Identifiers: MedGen C2713442, MONDO:0021056, OMIM 175100. Disease mechanism: loss of function.

Allele frequency attached by ClinVar (database versions not stated): gnomAD exomes 0.00001 and 0.00002; TOPMed 0.00001; ExAC 0.00002; gnomAD 0.00004 and 0.00005; ESP Exome Variant Server 0.00008; 1000 Genomes Project 0.00040; 1000 Genomes Project 30x 0.00047.
gnomAD v4.1: 30 of 1,614,234 alleles (0.0019%); highest among the groups gnomAD compares: Admixed American, 0.042%; no homozygotes.

Submissions (14):

CeGaT Center for Human Genetics Tuebingen
Classification: Likely benign. Last evaluated: 2026-04-01. Review status: criteria provided, single submitter. Criteria: CeGaT Center For Human Genetics Tuebingen Variant Classification Criteria Version 2. Collection method: clinical testing. Allele origin: germline. Affected: yes. Observed: 4 variant alleles.
Comment: APC: BP4, BP7

Labcorp Genetics (formerly Invitae), Labcorp
Classification: Likely benign for Familial adenomatous polyposis 1. Last evaluated: 2026-02-03. Review status: criteria provided, single submitter. Criteria: Invitae Variant Classification Sherloc (09022015). Collection method: clinical testing. Allele origin: germline.

PreventionGenetics, part of Exact Sciences
Classification: Likely benign for APC-related condition. Last evaluated: 2025-10-18. Review status: criteria provided, single submitter. Criteria: ACMG Guidelines, 2015. Collection method: clinical testing. Allele origin: germline.
Comment: This variant is classified as likely benign based on ACMG/AMP sequence variant interpretation guidelines (Richards et al. 2015 PMID: 25741868, with internal and published modifications).

Institute for Biomarker Research, Medical Diagnostic Laboratories, L.L.C.
Classification: Likely benign for Hereditary cancer-predisposing syndrome. Last evaluated: 2025-06-16. Review status: criteria provided, single submitter. Criteria: ACMG Guidelines, 2015. Collection method: clinical testing. Allele origin: germline.
Comment: The synonymous variant NM_000038.6(APC):c.2838A>G (p.Thr946=) has been reported to ClinVar as Benign/Likely benign with a status of (2 stars) criteria provided, multiple submitters, no conflicts (Variation ID 183962 as of 2025-06-05). The variant is observed in one or more well-documented healthy adults. The p.Thr946= variant is not predicted to disrupt an existing splice site. The p.Thr946= variant results in a substitution of a base that is not predicted conserved by GERP++ and PhyloP. For these reasons, this variant has been classified as Likely Benign.

Blueprint Genetics
Classification: Likely benign. Last evaluated: 2024-03-16. Review status: criteria provided, single submitter. Criteria: ACMG Guidelines, 2015. Collection method: clinical testing. Allele origin: germline.

All of Us Research Program, National Institutes of Health
Classification: Likely benign for Classic or attenuated familial adenomatous polyposis. Last evaluated: 2024-02-05. Review status: criteria provided, single submitter. Criteria: ACMG Guidelines, 2015. Collection method: clinical testing. Allele origin: germline. Inheritance: Autosomal dominant inheritance. Observed: 8 variant alleles, 8 heterozygotes.
Comment: This study involves interpretation of variants in research participants for the purpose of population health screening. Participant phenotype was not available at the time of variant classification. Additional details can be found in publication PMID: 35346344, PMCID: PMC8962531

Myriad Genetics, Inc.
Classification: Benign for Familial adenomatous polyposis 1. Last evaluated: 2023-02-17. Review status: criteria provided, single submitter. Criteria: Myriad Autosomal Dominant, Autosomal Recessive and X-Linked Classification Criteria (2023). Collection method: clinical testing. Allele origin: unknown.
Comment: This variant is considered benign. This variant is a silent/synonymous amino acid change and it is not expected to impact splicing.

Women's Health and Genetics/Laboratory Corporation of America, LabCorp
Classification: Likely benign. Last evaluated: 2021-12-25. Review status: criteria provided, single submitter. Criteria: LabCorp Variant Classification Summary - May 2015. Collection method: clinical testing. Allele origin: germline.

Sema4
Classification: Likely benign for Hereditary cancer-predisposing syndrome. Last evaluated: 2021-05-06. Review status: criteria provided, single submitter. Criteria: Sema4 Curation Guidelines. Collection method: curation. Allele origin: germline.

Quest Diagnostics Nichols Institute San Juan Capistrano
Classification: Benign. Last evaluated: 2019-04-19. Review status: criteria provided, single submitter. Criteria: Quest Diagnostics criteria. Collection method: clinical testing. Allele origin: germline.

GeneDx
Classification: Likely benign. Last evaluated: 2016-12-06. Review status: criteria provided, single submitter. Criteria: GeneDx Variant Classification (06012015). Collection method: clinical testing. Allele origin: germline. Affected: yes.
Comment: This variant is considered likely benign or benign based on one or more of the following criteria: it is a conservative change, it occurs at a poorly conserved position in the protein, it is predicted to be benign by multiple in silico algorithms, and/or has population frequency not consistent with disease.

Color Diagnostics, LLC DBA Color Health
Classification: Likely benign for Hereditary cancer-predisposing syndrome. Last evaluated: 2016-11-22. Review status: criteria provided, single submitter. Criteria: ACMG Guidelines, 2015. Collection method: clinical testing. Allele origin: germline.

Ambry Genetics
Classification: Likely benign for Hereditary cancer-predisposing syndrome. Last evaluated: 2015-02-17. Review status: criteria provided, single submitter. Criteria: Ambry Variant Classification Scheme 2023. Collection method: clinical testing. Allele origin: germline.

Counsyl
Classification: Likely benign for Familial adenomatous polyposis 1. Last evaluated: 2016-07-21. Review status: no assertion criteria provided. Collection method: clinical testing. Allele origin: unknown. Not counted in ClinVar's aggregate classification.